The following is an entry in ClinVar:

ClinVar aggregate classification (germline): Uncertain significance (1 of 4 stars; one submission).

Conditions:
Autosomal recessive limb-girdle muscular dystrophy type 2Y (MRRSDC). Also called: Muscular dystrophy, autosomal recessive, with rigid spine and distal joint contractures; Muscular dystrophy, limb-girdle, type 2y. Identifiers: Orphanet 424261, MedGen C4511482, MONDO:0014900, OMIM 617072.

Allele frequency attached by ClinVar (database versions not stated): TOPMed below 0.00001; gnomAD 0.00001; gnomAD exomes 0.00002 and 0.00004; ExAC 0.00004.
gnomAD v4.1: 35 of 1,605,600 alleles (0.0022%); highest among the groups gnomAD compares: South Asian, 0.036%; no homozygotes.

Submission:

Labcorp Genetics (formerly Invitae), Labcorp
Classification: Uncertain significance for Autosomal recessive limb-girdle muscular dystrophy type 2Y. Last evaluated: 2021-08-28. Review status: criteria provided, single submitter. Criteria: Invitae Variant Classification Sherloc (09022015). Collection method: clinical testing. Allele origin: germline.
Comment: This sequence change replaces serine with glycine at codon 208 of the TOR1AIP1 protein (p.Ser208Gly). The serine residue is weakly conserved and there is a small physicochemical difference between serine and glycine. This variant is present in population databases (rs759786680, ExAC 0.03%). This variant has not been reported in the literature in individuals affected with TOR1AIP1-related conditions. Algorithms developed to predict the effect of missense changes on protein structure and function output the following: SIFT: "Tolerated"; PolyPhen-2: "Benign"; Align-GVGD: "Class C0". The glycine amino acid residue is found in multiple mammalian species, which suggests that this missense change does not adversely affect protein function. In summary, the available evidence is currently insufficient to determine the role of this variant in disease. Therefore, it has been classified as a Variant of Uncertain Significance.

NM_015602.4(TOR1AIP1):c.619A>G (p.Ser207Gly)

Gene: TOR1AIP1 (torsin 1A interacting protein 1; plus strand). Cytogenetic location: 1q25.2.
Variant type: single nucleotide variant.
Coding change: c.619A>G on transcript NM_015602.4 (MANE Select); coding-DNA position 619, A replaced by G.
Protein change: p.Ser207Gly; replaces serine 207 with glycine.
Molecular consequence: missense variant.
Genome position (GRCh38, 1-based): chr1:179,900,134, A>G. VCF-style: chr1-179900134-A-G. GRCh37 (hg19) VCF-style: chr1-179869269-A-G.
Other names: c.622A>G, p.Ser208Gly (NM_001267578.2); short protein forms S207G, S208G.
Identifiers: ClinVar variation 1520623 (VCV001520623.5), dbSNP rs759786680, ClinGen allele CA1268876.